The following is an entry in ClinVar:

ClinVar aggregate classification (germline): Uncertain significance (1 of 4 stars; one submission).

Submission:

Labcorp Genetics (formerly Invitae), Labcorp
Classification: Uncertain significance. Last evaluated: 2021-11-27. Review status: criteria provided, single submitter. Criteria: Invitae Variant Classification Sherloc (09022015). Collection method: clinical testing. Allele origin: germline.
Comment: This sequence change replaces leucine, which is neutral and non-polar, with arginine, which is basic and polar, at codon 24 of the TSFM protein (p.Leu24Arg). This variant is not present in population databases (gnomAD no frequency). This variant has not been reported in the literature in individuals affected with TSFM-related conditions. Algorithms developed to predict the effect of missense changes on protein structure and function output the following: SIFT: "Tolerated"; PolyPhen-2: "Benign"; Align-GVGD: "Class C0". The arginine amino acid residue is found in multiple mammalian species, which suggests that this missense change does not adversely affect protein function. In summary, the available evidence is currently insufficient to determine the role of this variant in disease. Therefore, it has been classified as a Variant of Uncertain Significance.

NM_005726.6(TSFM):c.71T>G (p.Leu24Arg)

Gene: TSFM (Ts translation elongation factor, mitochondrial; plus strand). Cytogenetic location: 12q14.1.
Variant type: single nucleotide variant.
Coding change: c.71T>G on transcript NM_005726.6 (MANE Select); coding-DNA position 71, T replaced by G.
Protein change: p.Leu24Arg; replaces leucine 24 with arginine.
Molecular consequence: missense variant.
Genome position (GRCh38, 1-based): chr12:57,783,123, T>G. VCF-style: chr12-57783123-T-G. GRCh37 (hg19) VCF-style: chr12-58176906-T-G.
Other names: c.71T>G, p.Leu24Arg (NM_001172695.2, NM_001172696.2, NM_001172697.2); short protein forms L24R.
Identifiers: ClinVar variation 1359598 (VCV001359598.3), dbSNP rs2140413059, ClinGen allele CA385523216.